The following is an entry in ClinVar:

NM_020975.6(RET):c.819C>T (p.Pro273=)

Gene: RET (ret proto-oncogene; plus strand). Cytogenetic location: 10q11.21.
Variant type: single nucleotide variant.
Coding change: c.819C>T on transcript NM_020975.6 (MANE Select); coding-DNA position 819, C replaced by T.
Protein change: p.Pro273=; no amino-acid change (proline 273 retained).
Molecular consequence: synonymous variant. On other transcripts: intron variant (22).
Genome position (GRCh38, 1-based): chr10:43,105,145, C>T. VCF-style: chr10-43105145-C-T. GRCh37 (hg19) VCF-style: chr10-43600593-C-T.
Other names: c.819C>T, p.Pro273= (NM_000323.2, NM_001406743.1, NM_001406744.1 and 8 more transcripts); c.57C>T, p.Pro19= (NM_001355216.2); c.690C>T, p.Pro230= (NM_001406761.1, NM_001406762.1, NM_001406764.1 and 2 more transcripts); c.531C>T, p.Pro177= (NM_001406766.1, NM_001406767.1, NM_001406770.1); c.625+2516C>T (NM_001406773.1, NM_001406771.1, NM_001406782.1 and 5 more transcripts); c.496+2516C>T (NM_001406786.1, NM_001406783.1); c.338-3886C>T (NM_001406778.1, NM_001406775.1, NM_001406776.1 and 1 more transcripts); c.337+4423C>T (NM_001406790.1, NM_001406788.1, NM_001406789.1 and 1 more transcripts); and 2 more.
Identifiers: ClinVar variation 220298 (VCV000220298.18), dbSNP rs864622467, ClinGen allele CA349763.

ClinVar aggregate classification (germline): Likely benign. Review status: criteria provided, multiple submitters, no conflicts (2 of 4 stars). 3 submissions from 3 submitters: Likely benign (3). Last evaluated 2024-09-22.

Conditions:
Hereditary cancer-predisposing syndrome. Also called: Hereditary neoplastic syndrome; Tumor predisposition; Hereditary Cancer Syndrome; Neoplastic Syndromes, Hereditary. Identifiers: Orphanet 140162, MedGen C0027672, MeSH D009386, MONDO:0015356.
Multiple endocrine neoplasia, type 2 (MEN2). Identifiers: Orphanet 653, MedGen C4048306, MONDO:0019003. Disease mechanism: gain of function.

gnomAD v4.1: 2 of 1,612,680 alleles (0.00012%); no homozygotes.

Submissions (3):

Labcorp Genetics (formerly Invitae), Labcorp
Classification: Likely benign for Multiple endocrine neoplasia, type 2. Last evaluated: 2024-09-22. Review status: criteria provided, single submitter. Criteria: Invitae Variant Classification Sherloc (09022015). Collection method: clinical testing. Allele origin: germline.

All of Us Research Program, National Institutes of Health
Classification: Likely benign for Multiple endocrine neoplasia, type 2. Last evaluated: 2024-04-16. Review status: criteria provided, single submitter. Criteria: ACMG Guidelines, 2015. Collection method: clinical testing. Allele origin: germline. Inheritance: Autosomal dominant inheritance. Observed: 1 variant allele, 1 heterozygote.
Comment: This study involves interpretation of variants in research participants for the purpose of population health screening. Participant phenotype was not available at the time of variant classification. Additional details can be found in publication PMID: 35346344, PMCID: PMC8962531

Ambry Genetics
Classification: Likely benign for Hereditary cancer-predisposing syndrome. Last evaluated: 2016-09-26. Review status: criteria provided, single submitter. Criteria: Ambry Variant Classification Scheme 2023. Collection method: clinical testing. Allele origin: germline.